The following is an entry in ClinVar:

NC_000012.12:g.47976568del

Gene: COL2A1 (collagen type II alpha 1 chain; minus strand). Cytogenetic location: 12q13.11.
Variant type: Deletion.
Genome position: GRCh38 VCF-style: chr12-47976565-AC-A. GRCh37 (hg19) VCF-style: chr12-48370348-AC-A.
Identifiers: ClinVar variation 1074747 (VCV001074747.7), dbSNP rs2136516920, ClinGen allele CA2499221652.

ClinVar aggregate classification (germline): Pathogenic (1 of 4 stars; one submission).

Submission:

Labcorp Genetics (formerly Invitae), Labcorp
Classification: Pathogenic. Last evaluated: 2025-09-09. Review status: criteria provided, single submitter. Criteria: Invitae Variant Classification Sherloc (09022015). Collection method: clinical testing. Allele origin: germline.
Comment: This sequence change creates a premature translational stop signal (p.Gly1146Valfs*81) in the COL2A1 gene. It is expected to result in an absent or disrupted protein product. Loss-of-function variants in COL2A1 are known to be pathogenic (PMID: 20179744). This variant is not present in population databases (gnomAD no frequency). This variant has not been reported in the literature in individuals affected with COL2A1-related conditions. ClinVar contains an entry for this variant (Variation ID: 1074747). For these reasons, this variant has been classified as Pathogenic.

Literature cited by the submitters: PubMed 20179744.